The following is an entry in ClinVar:

NM_000155.4(GALT):c.691C>G (p.Arg231Gly)

Gene: GALT (galactose-1-phosphate uridylyltransferase; plus strand). Cytogenetic location: 9p13.3.
Variant type: single nucleotide variant.
Coding change: c.691C>G on transcript NM_000155.4 (MANE Select); coding-DNA position 691, C replaced by G.
Protein change: p.Arg231Gly; replaces arginine 231 with glycine.
Molecular consequence: missense variant.
Genome position (GRCh38, 1-based): chr9:34,648,765, C>G. VCF-style: chr9-34648765-C-G. GRCh37 (hg19) VCF-style: chr9-34648762-C-G.
Other names: c.364C>G, p.Arg122Gly (NM_001258332.2); short protein forms R122G, R231G.
Identifiers: ClinVar variation 852788 (VCV000852788.11), dbSNP rs111033749, ClinGen allele CA373283318.

ClinVar aggregate classification (germline): Likely pathogenic. Review status: criteria provided, multiple submitters, no conflicts (2 of 4 stars). 2 submissions from 2 submitters: Likely pathogenic (2). Last evaluated 2024-08-28.

Conditions:
Galactosemia. Also called: Galactose intolerance. Identifiers: Orphanet 352, MedGen C0016952, MONDO:0018116, HP:0004919. Disease mechanism: loss of function.
Deficiency of UDPglucose-hexose-1-phosphate uridylyltransferase. Also called: GALACTOSE-1-PHOSPHATE URIDYLYLTRANSFERASE DEFICIENCY; GALT deficiency; Galactosemia, classic; Transferase Deficiency Galactosemia; GALACTOSEMIA I. Identifiers: Orphanet 352, Orphanet 79239, MedGen C0268151, MONDO:0009258, OMIM 230400.

Submissions (2):

Natera, Inc.
Classification: Likely pathogenic for Galactosemia. Last evaluated: 2024-08-28. Review status: criteria provided, single submitter. Criteria: Natera Variant Classification Schema (03/2026). Collection method: clinical testing. Allele origin: germline.
Comment: The c.691C>G variant in GALT is a missense variant predicted to cause substitution of arginine to glycine at amino acid 231. This variant is rare in the general population with a frequency below the threshold expected for the associated phenotype(s). This variant has been observed in one or more individuals affected with the associated recessive disease, as either homozygous or compound heterozygous with a second variant (PMID: 38778342). A different variant at the same position has been determined to be Pathogenic or Likely Pathogenic. Computational prediction algorithms indicate this variant is likely to affect gene or protein function. Given the available evidence, this variant is classified as Likely Pathogenic.

Labcorp Genetics (formerly Invitae), Labcorp
Classification: Likely pathogenic for Deficiency of UDPglucose-hexose-1-phosphate uridylyltransferase. Last evaluated: 2019-01-28. Review status: criteria provided, single submitter. Criteria: Invitae Variant Classification Sherloc (09022015). Collection method: clinical testing. Allele origin: germline.
Comment: In summary, the currently available evidence indicates that the variant is pathogenic, but additional data are needed to prove that conclusively. Therefore, this variant has been classified as Likely Pathogenic. This variant disrupts the p.Arg231 amino acid residue in GALT. Another variant that disrupts this residue have been observed in individuals with GALT-related conditions (PMID: 14518827, 22944367, Invitae), suggesting that it is a clinically significant residue. As a result, variants that disrupt this residue are likely to be causative of disease. Algorithms developed to predict the effect of sequence changes on RNA splicing suggest that this variant may create or strengthen a splice site, but this prediction has not been confirmed by published transcriptional studies. Algorithms developed to predict the effect of missense changes on protein structure and function are either unavailable or do not agree on the potential impact of this missense change (SIFT: "Deleterious"; PolyPhen-2: "Probably Damaging"; Align-GVGD: "Class C0"). In this individual the data is consistent with the variant being in trans (on the opposite chromosome) from a pathogenic variant. This variant is not present in population databases (ExAC no frequency). This sequence change replaces arginine with glycine at codon 231 of the GALT protein (p.Arg231Gly). The arginine residue is highly conserved and there is a moderate physicochemical difference between arginine and glycine.

Literature cited by the submitters: PubMed 38778342 (cited by Natera, Inc.); PubMed 14518827 (cited by Labcorp Genetics (formerly Invitae), Labcorp); PubMed 22944367 (cited by Labcorp Genetics (formerly Invitae), Labcorp).